The following is an entry in ClinVar:

ClinVar aggregate classification (germline): Uncertain significance (1 of 4 stars; one submission).

gnomAD v4.1: 3 of 1,609,434 alleles (0.00019%); highest among the groups gnomAD compares: East Asian, 0.0022%; no homozygotes.

Submission:

Labcorp Genetics (formerly Invitae), Labcorp
Classification: Uncertain significance. Last evaluated: 2024-11-05. Review status: criteria provided, single submitter. Criteria: Invitae Variant Classification Sherloc (09022015). Collection method: clinical testing. Allele origin: germline.
Comment: This sequence change replaces arginine, which is basic and polar, with leucine, which is neutral and non-polar, at codon 495 of the LTBP2 protein (p.Arg495Leu). The frequency data for this variant in the population databases is considered unreliable, as metrics indicate poor data quality at this position in the gnomAD database. This variant has not been reported in the literature in individuals affected with LTBP2-related conditions. ClinVar contains an entry for this variant (Variation ID: 1973408). An algorithm developed to predict the effect of missense changes on protein structure and function (PolyPhen-2) suggests that this variant is likely to be disruptive. In summary, the available evidence is currently insufficient to determine the role of this variant in disease. Therefore, it has been classified as a Variant of Uncertain Significance.

NM_000428.3(LTBP2):c.1484G>T (p.Arg495Leu)

Gene: LTBP2 (latent transforming growth factor beta binding protein 2; minus strand). Cytogenetic location: 14q24.3.
Variant type: single nucleotide variant.
Coding change: c.1484G>T on transcript NM_000428.3 (MANE Select); coding-DNA position 1484, G replaced by T.
Protein change: p.Arg495Leu; replaces arginine 495 with leucine.
Molecular consequence: missense variant.
Genome position (GRCh38, 1-based): chr14:74,551,266, C>A on the plus strand (G>T on the coding strand, the complement: LTBP2 is on the minus strand). VCF-style: chr14-74551266-C-A. GRCh37 (hg19) VCF-style: chr14-75017969-C-A.
Other names: short protein forms R495L.
Identifiers: ClinVar variation 1973408 (VCV001973408.5), dbSNP rs137854858, ClinGen allele CA390398888.
Genomic context (GRCh38, chr14:74,551,266, plus strand): 5'-AGCCAGGGCGGGGGTCTGGTCTCCACGCTGTTCTCCACTAGGGCCTCCTCCACCCCGCCC[C>A]GCACCTGGGCCACCTGGTGGATCTGCACTGAGGCCTCGGGTGGGTGGTGAATGTGCACCT-3'
Protein context (NP_000419.1, residues 485-505): SVQIHQVAQV[Arg495Leu]GGVEEALVEN